The following is an entry in ClinVar:

NM_001429.4(EP300):c.3054G>A (p.Glu1018=)

Genes: EP300 (E1A binding protein p300; plus strand), LOC126863158 (BRD4-independent group 4 enhancer GRCh37_chr22:41547383-41548582; plus strand). Cytogenetic location: 22q13.2.
Variant type: single nucleotide variant.
Coding change: c.3054G>A on transcript NM_001429.4 (MANE Select); coding-DNA position 3054, G replaced by A.
Protein change: p.Glu1018=; no amino-acid change (glutamic acid 1018 retained).
Molecular consequence: synonymous variant.
Genome position (GRCh38, 1-based): chr22:41,152,262, G>A. VCF-style: chr22-41152262-G-A. GRCh37 (hg19) VCF-style: chr22-41548266-G-A.
Other names: c.2976G>A, p.Glu992= (NM_001362843.2).
Identifiers: ClinVar variation 3357128 (VCV003357128.1).
Genomic context (GRCh38, chr22:41,152,262, plus strand): 5'-TTAGTCTAAAGTGGAAGACTGTAAAATGGAATCTACCGAAACAGAAGAGAGAAGCACTGA[G>A]TTAAAAACTGAAATAAAAGAGGAGGAAGACCAGCCAAGTACTTCAGCTACCCAGTCATCT-3'
Protein context (NP_001420.2, residues 1008-1028): ESTETEERST[Glu1018=]LKTEIKEEED

ClinVar aggregate classification (germline): Likely benign (0 of 4 stars; one submission).

Conditions:
EP300-related disorder. Also called: EP300-related disorders; EP300-related condition.

Submission:

PreventionGenetics, part of Exact Sciences
Classification: Likely benign for EP300-related condition. Last evaluated: 2024-08-06. Review status: no assertion criteria provided. Collection method: clinical testing. Allele origin: germline.
Comment: This variant is classified as likely benign based on ACMG/AMP sequence variant interpretation guidelines (Richards et al. 2015 PMID: 25741868, with internal and published modifications).